The following is an entry in ClinVar:

ClinVar aggregate classification (germline): Likely benign. Review status: criteria provided, multiple submitters, no conflicts (2 of 4 stars). 6 submissions from 6 submitters: Likely benign (6). Last evaluated 2026-01-20.

Conditions:
Cardiovascular phenotype. Identifiers: MedGen CN230736.
ZNF469-related disorder. Also called: ZNF469-related condition.

Allele frequency attached by ClinVar (database versions not stated): TOPMed 0.00010; gnomAD 0.00011.
gnomAD v4.1: 168 of 1,550,124 alleles (0.011%); highest among the groups gnomAD compares: Non-Finnish European, 0.014%; no homozygotes.

Submissions (6):

Labcorp Genetics (formerly Invitae), Labcorp
Classification: Likely benign. Last evaluated: 2026-01-20. Review status: criteria provided, single submitter. Criteria: Invitae Variant Classification Sherloc (09022015). Collection method: clinical testing. Allele origin: germline.

Women's Health and Genetics/Laboratory Corporation of America, LabCorp
Classification: Likely benign. Last evaluated: 2025-10-28. Review status: criteria provided, single submitter. Criteria: LabCorp Variant Classification Summary - May 2015. Collection method: clinical testing. Allele origin: germline.

Mayo Clinic Laboratories, Mayo Clinic
Classification: Likely benign. Last evaluated: 2025-08-04. Review status: criteria provided, single submitter. Criteria: ACMG Guidelines, 2015. Collection method: clinical testing. Allele origin: germline. Observed: 1 variant allele.
Comment: BP4, BP7

PreventionGenetics, part of Exact Sciences
Classification: Likely benign for ZNF469-related condition. Last evaluated: 2024-12-18. Review status: criteria provided, single submitter. Criteria: ACMG Guidelines, 2015. Collection method: clinical testing. Allele origin: germline.
Comment: This variant is classified as likely benign based on ACMG/AMP sequence variant interpretation guidelines (Richards et al. 2015 PMID: 25741868, with internal and published modifications).

Ambry Genetics
Classification: Likely benign for Cardiovascular phenotype. Last evaluated: 2022-01-31. Review status: criteria provided, single submitter. Criteria: Ambry Variant Classification Scheme 2023. Collection method: clinical testing. Allele origin: germline.

GeneDx
Classification: Likely benign. Last evaluated: 2020-12-16. Review status: criteria provided, single submitter. Criteria: GeneDx Variant Classification Process June 2021. Collection method: clinical testing. Allele origin: germline. Affected: yes.

NM_001367624.2(ZNF469):c.6867C>G (p.Ser2289=)

Gene: ZNF469 (zinc finger protein 469; plus strand). Cytogenetic location: 16q24.2.
Variant type: single nucleotide variant.
Coding change: c.6867C>G on transcript NM_001367624.2 (MANE Select); coding-DNA position 6867, C replaced by G.
Protein change: p.Ser2289=; no amino-acid change (serine 2289 retained).
Molecular consequence: synonymous variant.
Genome position (GRCh38, 1-based): chr16:88,434,337, C>G. VCF-style: chr16-88434337-C-G. GRCh37 (hg19) VCF-style: chr16-88500745-C-G.
Other names: NM_001127464.1:c.6783C>G; p.Ser2289=; NM_001127464.2:c.6783C>G.
Identifiers: ClinVar variation 1190122 (VCV001190122.13), dbSNP rs1019165112, ClinGen allele CA286382116.